The following is an entry in ClinVar:

NM_207361.6(FREM2):c.383C>T (p.Pro128Leu)

Gene: FREM2 (FRAS1 related extracellular matrix 2; plus strand). Cytogenetic location: 13q13.3.
Variant type: single nucleotide variant.
Coding change: c.383C>T on transcript NM_207361.6 (MANE Select); coding-DNA position 383, C replaced by T.
Protein change: p.Pro128Leu; replaces proline 128 with leucine.
Molecular consequence: missense variant.
Genome position (GRCh38, 1-based): chr13:38,687,727, C>T. VCF-style: chr13-38687727-C-T. GRCh37 (hg19) VCF-style: chr13-39261864-C-T.
Other names: c.383C>T (NM_207361.5); short protein forms P128L.
Identifiers: ClinVar variation 882275 (VCV000882275.8), dbSNP rs114864077, ClinGen allele CA6954198.
Genomic context (GRCh38, chr13:38,687,727, plus strand): 5'-CGGTACTAGACAACGACGCACTGGCCCAGCGACCGGGCCGCCTGAGTCCCAAGCGCTTCC[C>T]GTGCGACTTTGGCCCTGGCGAGGTGCGCTACTCTCACCTGGGCGCGCGCAGCCCGTCTCG-3'
Protein context (NP_997244.4, residues 118-138): RPGRLSPKRF[Pro128Leu]CDFGPGEVRY

ClinVar aggregate classification (germline): Uncertain significance. Review status: criteria provided, multiple submitters, no conflicts (2 of 4 stars). 4 submissions from 4 submitters: Uncertain significance (4). Last evaluated 2023-05-24.

Conditions:
FREM2-related disorder. Also called: FREM2-related condition.
Fraser syndrome 2 (FRASRS2). Identifiers: MedGen C4540036, MONDO:0054738, OMIM 617666.

Allele frequency attached by ClinVar (database versions not stated): gnomAD 0.00004 and 0.00005; gnomAD exomes 0.00004 and 0.00016; TOPMed 0.00004; 1000 Genomes Project 30x 0.00016; ExAC 0.00019; 1000 Genomes Project 0.00020.
gnomAD v4.1: 66 of 1,550,482 alleles (0.0043%); highest among the groups gnomAD compares: East Asian, 0.13%; no homozygotes.

Submissions (4):

PreventionGenetics, part of Exact Sciences
Classification: Uncertain significance for FREM2-related condition. Last evaluated: 2023-05-24. Review status: criteria provided, single submitter. Criteria: ACMG Guidelines, 2015. Collection method: clinical testing. Allele origin: germline.
Comment: The FREM2 c.383C>T variant is predicted to result in the amino acid substitution p.Pro128Leu. To our knowledge, this variant has not been reported in individuals with FREM2-associated phenotypes in the literature. This variant is reported in 0.19% of alleles in individuals of East Asian descent in gnomAD. At this time, the clinical significance of this variant is uncertain due to the absence of conclusive functional and genetic evidence.

Labcorp Genetics (formerly Invitae), Labcorp
Classification: Uncertain significance. Last evaluated: 2022-06-22. Review status: criteria provided, single submitter. Criteria: Invitae Variant Classification Sherloc (09022015). Collection method: clinical testing. Allele origin: germline.
Comment: This sequence change replaces proline, which is neutral and non-polar, with leucine, which is neutral and non-polar, at codon 128 of the FREM2 protein (p.Pro128Leu). This variant is present in population databases (rs114864077, gnomAD 0.2%). This variant has not been reported in the literature in individuals affected with FREM2-related conditions. ClinVar contains an entry for this variant (Variation ID: 882275). Algorithms developed to predict the effect of missense changes on protein structure and function are either unavailable or do not agree on the potential impact of this missense change (SIFT: "Deleterious"; PolyPhen-2: "Benign"; Align-GVGD: "Class C0"). In summary, the available evidence is currently insufficient to determine the role of this variant in disease. Therefore, it has been classified as a Variant of Uncertain Significance.

Revvity Omics, Revvity
Classification: Uncertain significance. Last evaluated: 2021-07-26. Review status: criteria provided, single submitter. Criteria: ACMG Guidelines, 2015. Collection method: clinical testing. Allele origin: germline.

Illumina Laboratory Services, Illumina
Classification: Uncertain significance for Fraser syndrome 2. Last evaluated: 2018-01-13. Review status: criteria provided, single submitter. Criteria: ICSL Variant Classification Criteria 13 December 2019. Collection method: clinical testing. Allele origin: germline.